The following is an entry in ClinVar:

ClinVar aggregate classification (germline): Uncertain significance (1 of 4 stars; one submission).

Allele frequency attached by ClinVar (database versions not stated): gnomAD exomes below 0.00001.
gnomAD v4.1: 2 of 1,613,754 alleles (0.00012%); highest among the groups gnomAD compares: Non-Finnish European, 0.00017%; no homozygotes.

Submission:

GeneDx
Classification: Uncertain significance. Last evaluated: 2022-04-29. Review status: criteria provided, single submitter. Criteria: GeneDx Variant Classification Process June 2021. Collection method: clinical testing. Allele origin: germline. Affected: yes.
Comment: Not observed at significant frequency in large population cohorts (gnomAD); In silico analysis supports that this missense variant does not alter protein structure/function; Has not been previously published as pathogenic or benign to our knowledge

NM_001371928.1(AHDC1):c.736A>G (p.Ser246Gly)

Gene: AHDC1 (AT-hook DNA binding motif containing 1; minus strand). Cytogenetic location: 1p36.11.
Variant type: single nucleotide variant.
Coding change: c.736A>G on transcript NM_001371928.1 (MANE Select); coding-DNA position 736, A replaced by G.
Protein change: p.Ser246Gly; replaces serine 246 with glycine.
Molecular consequence: missense variant.
Genome position (GRCh38, 1-based): chr1:27,551,380, T>C on the plus strand (A>G on the coding strand, the complement: AHDC1 is on the minus strand). VCF-style: chr1-27551380-T-C. GRCh37 (hg19) VCF-style: chr1-27877891-T-C.
Other names: c.736A>G, p.Ser246Gly (NM_001029882.3); short protein forms S246G.
Identifiers: ClinVar variation 1712892 (VCV001712892.2), dbSNP rs1249502416, ClinGen allele CA339236308.